The following is an entry in ClinVar:

ClinVar aggregate classification (germline): Conflicting classifications of pathogenicity. Review status: criteria provided, conflicting classifications (1 of 4 stars). 4 submissions from 4 submitters: Uncertain significance (3); Likely benign (1). Last evaluated 2024-02-15.

Conditions:
Hereditary breast ovarian cancer syndrome. Also called: BRCA1- and BRCA2-Associated Hereditary Breast and Ovarian Cancer; Hereditary breast and ovarian cancer syndrome; Hereditary breast and/or ovarian cancer syndrome; Hereditary breast and ovarian cancer; Hereditary breast and ovarian cancer syndrome (HBOC); Breast and ovarian cancer. Identifiers: Orphanet 145, MedGen C0677776, MeSH D061325, MONDO:0003582. Disease mechanism: loss of function.
Hereditary cancer-predisposing syndrome. Also called: Tumor predisposition; Neoplastic Syndromes, Hereditary; Hereditary Cancer Syndrome; Hereditary neoplastic syndrome. Identifiers: Orphanet 140162, MedGen C0027672, MeSH D009386, MONDO:0015356.

Submissions (4):

Quest Diagnostics Nichols Institute San Juan Capistrano
Classification: Uncertain significance. Last evaluated: 2024-02-15. Review status: criteria provided, single submitter. Criteria: Quest Diagnostics criteria. Collection method: clinical testing. Allele origin: unknown.
Comment: The BRCA2 c.3166C>G (p.Gln1056Glu) variant has been reported in the published literature in an individual with lung cancer (PMID: 29106415 (2017)). This variant has not been reported in large, multi-ethnic general populations (Genome Aggregation Database). Analysis of this variant using bioinformatics tools for the prediction of the effect of amino acid changes on protein structure and function yielded predictions that this variant is benign. Based on the available information, we are unable to determine the clinical significance of this variant.

University of Washington Department of Laboratory Medicine, University of Washington
Classification: Likely benign for Hereditary cancer-predisposing syndrome. Last evaluated: 2023-03-23. Review status: criteria provided, single submitter. Criteria: Dines et al. (Genet Med. 2020). Collection method: curation. Allele origin: germline.
Comment: Missense variant in a coldspot region where missense variants are very unlikely to be pathogenic (PMID:31911673).

BRCA2 exon 11 coldspot. Reclassification based on statistical prior probability.

Ambry Genetics
Classification: Uncertain significance for Hereditary cancer-predisposing syndrome. Last evaluated: 2021-12-28. Review status: criteria provided, single submitter. Criteria: Ambry Variant Classification Scheme 2023. Collection method: clinical testing. Allele origin: germline.
Comment: The p.Q1056E variant (also known as c.3166C>G), located in coding exon 10 of the BRCA2 gene, results from a C to G substitution at nucleotide position 3166. The glutamine at codon 1056 is replaced by glutamic acid, an amino acid with highly similar properties. This amino acid position is not well conserved in available vertebrate species. In addition, this alteration is predicted to be tolerated by in silico analysis. Since supporting evidence is limited at this time, the clinical significance of this alteration remains unclear.

Labcorp Genetics (formerly Invitae), Labcorp
Classification: Uncertain significance for Hereditary breast ovarian cancer syndrome. Last evaluated: 2021-02-03. Review status: criteria provided, single submitter. Criteria: Invitae Variant Classification Sherloc (09022015). Collection method: clinical testing. Allele origin: germline.
Comment: In summary, the available evidence is currently insufficient to determine the role of this variant in disease. Therefore, it has been classified as a Variant of Uncertain Significance. Advanced modeling of protein sequence and biophysical properties (such as structural, functional, and spatial information, amino acid conservation, physicochemical variation, residue mobility, and thermodynamic stability) performed at Invitae indicates that this missense variant is not expected to disrupt BRCA2 protein function. This variant has not been reported in the literature in individuals with BRCA2-related conditions. ClinVar contains an entry for this variant (Variation ID: 801101). This variant is not present in population databases (ExAC no frequency). This sequence change replaces glutamine with glutamic acid at codon 1056 of the BRCA2 protein (p.Gln1056Glu). The glutamine residue is weakly conserved and there is a small physicochemical difference between glutamine and glutamic acid.

Literature cited by the submitters: PubMed 26564481 (cited by Quest Diagnostics Nichols Institute San Juan Capistrano); PubMed 37461096 (cited by Quest Diagnostics Nichols Institute San Juan Capistrano); PubMed 31454914 (cited by Quest Diagnostics Nichols Institute San Juan Capistrano); PubMed 29106415 (cited by Quest Diagnostics Nichols Institute San Juan Capistrano).

NM_000059.4(BRCA2):c.3166C>G (p.Gln1056Glu)

Gene: BRCA2 (BRCA2 DNA repair associated; plus strand). Cytogenetic location: 13q13.1.
Variant type: single nucleotide variant.
Coding change: c.3166C>G on transcript NM_000059.4 (MANE Select); coding-DNA position 3166, C replaced by G.
Protein change: p.Gln1056Glu; replaces glutamine 1056 with glutamic acid.
Molecular consequence: missense variant.
Genome position (GRCh38, 1-based): chr13:32,337,521, C>G. VCF-style: chr13-32337521-C-G. GRCh37 (hg19) VCF-style: chr13-32911658-C-G.
Other names: short protein forms Q1056E.
Identifiers: ClinVar variation 801101 (VCV000801101.15), dbSNP rs79728106, ClinGen allele CA387775796.